The following is an entry in ClinVar:

NM_016341.4(PLCE1):c.5459-71C>A

Gene: PLCE1 (phospholipase C epsilon 1; plus strand). Cytogenetic location: 10q23.33.
Variant type: single nucleotide variant.
Coding change: c.5459-71C>A on transcript NM_016341.4 (MANE Select); 71 bases into the intron before coding-DNA position 5459, C replaced by A.
Molecular consequence: intron variant.
Genome position (GRCh38, 1-based): chr10:94,304,411, C>A. VCF-style: chr10-94304411-C-A. GRCh37 (hg19) VCF-style: chr10-96064168-C-A.
Other names: c.5411-71C>A (NM_001288989.2); c.4535-71C>A (NM_001165979.2).
Identifiers: ClinVar variation 1220778 (VCV001220778.6), dbSNP rs3818432, ClinGen allele CA13165169.

ClinVar aggregate classification (germline): Benign. Review status: criteria provided, multiple submitters, no conflicts (2 of 4 stars). 3 submissions from 3 submitters: Benign (3). Last evaluated 2024-07-15.

Allele frequency attached by ClinVar (database versions not stated): 1000 Genomes Project 30x 0.22720; 1000 Genomes Project 0.22724.
gnomAD v4.1: 365,556 of 1,390,118 alleles (26%); highest among the groups gnomAD compares: Middle Eastern, 40%; 49,854 homozygotes.

Submissions (3):

Unidad de Genómica Garrahan, Hospital de Pediatría Garrahan
Classification: Benign. Last evaluated: 2024-07-15. Review status: criteria provided, single submitter. Criteria: ACMG Guidelines, 2015. Collection method: clinical testing. Allele origin: germline. Affected: no. Observed: 25 variant alleles.
Comment: This variant is classified as Benign based on local population frequency. This variant was detected in 27% of patients studied in a panel designed for Epileptic and Developmental Encephalopathy and Progressive Myoclonus Epilepsy. Number of patients: 25. Only high quality variants are reported.

GeneDx
Classification: Benign. Last evaluated: 2018-11-12. Review status: criteria provided, single submitter. Criteria: GeneDx Variant Classification Process June 2021. Collection method: clinical testing. Allele origin: germline. Affected: yes.

Breakthrough Genomics
Classification: Benign. Review status: criteria provided, single submitter. Criteria: ACMG Guidelines, 2015. Collection method: not provided. Allele origin: germline. Inheritance: Autosomal recessive inheritance. Affected: yes.